The following is an entry in ClinVar:

ClinVar aggregate classification (germline): Likely benign. Review status: criteria provided, multiple submitters, no conflicts (2 of 4 stars). 2 submissions from 2 submitters: Likely benign (2). Last evaluated 2025-06-13.

Conditions:
Jeune thoracic dystrophy. Also called: Jeune syndrome; Infantile thoracic dystrophy; Thoracic pelvic phalangeal dystrophy; Jeune's syndrome; Chondroectodermal dysplasia-like syndrome; Short-rib thoracic dysplasia. Identifiers: Orphanet 474, MedGen C0265275, MONDO:0018770.
DYNC2H1-related disorder. Also called: DYNC2H1-related disorders; DYNC2H1-related condition. Identifiers: MedGen CN378770.

Allele frequency attached by ClinVar (database versions not stated): gnomAD exomes below 0.00001.
gnomAD v4.1: 3 of 1,498,026 alleles (0.0002%); highest among the groups gnomAD compares: Non-Finnish European, 0.000089%; no homozygotes.

Submissions (2):

PreventionGenetics, part of Exact Sciences
Classification: Likely benign for DYNC2H1-related condition. Last evaluated: 2025-06-13. Review status: criteria provided, single submitter. Criteria: ACMG Guidelines, 2015. Collection method: clinical testing. Allele origin: germline.
Comment: This variant is classified as likely benign based on ACMG/AMP sequence variant interpretation guidelines (Richards et al. 2015 PMID: 25741868, with internal and published modifications).

Labcorp Genetics (formerly Invitae), Labcorp
Classification: Likely benign for Jeune thoracic dystrophy. Last evaluated: 2023-04-19. Review status: criteria provided, single submitter. Criteria: Invitae Variant Classification Sherloc (09022015). Collection method: clinical testing. Allele origin: germline.

NM_001377.3(DYNC2H1):c.5688T>C (p.His1896=)

Gene: DYNC2H1 (dynein cytoplasmic 2 heavy chain 1; plus strand). Cytogenetic location: 11q22.3.
Variant type: single nucleotide variant.
Coding change: c.5688T>C on transcript NM_001377.3 (MANE Select); coding-DNA position 5688, T replaced by C.
Protein change: p.His1896=; no amino-acid change (histidine 1896 retained).
Molecular consequence: synonymous variant.
Genome position (GRCh38, 1-based): chr11:103,176,248, T>C. VCF-style: chr11-103176248-T-C. GRCh37 (hg19) VCF-style: chr11-103046977-T-C.
Other names: c.5688T>C (NM_001080463.1); c.5688T>C, p.His1896= (NM_001080463.2).
Identifiers: ClinVar variation 1922429 (VCV001922429.6), dbSNP rs2497168481, ClinGen allele CA476607967.
Genomic context (GRCh38, chr11:103,176,248, plus strand): 5'-ATCATTAAAGTAATAATAAATAATTTTAAAATGAAACTTTTTTCTAGCTAATGAAAGTCA[T>C]ATTGTGGTACAAGCACTGAGGCTTAATACCATGTCAAAGTTTACGTTTACTGATTGCACC-3'
Protein context (NP_001368.2, residues 1886-1906): SGTTQNANES[His1896=]IVVQALRLNT